The following is an entry in ClinVar:

ClinVar aggregate classification (germline): Uncertain significance. Review status: criteria provided, multiple submitters, no conflicts (2 of 4 stars). 2 submissions from 2 submitters: Uncertain significance (2). Last evaluated 2026-07-11.

Conditions:
Familial hypobetalipoproteinemia 1. Also called: APOB-Related Familial Hypobetalipoproteinemia; Hypobetalipoproteinemia, normotriglyceridemic; Acanthocytosis with hypobetalipoproteinemia. Identifiers: MedGen C4551990, MONDO:0014252, OMIM 615558.
Hypercholesterolemia, autosomal dominant, type B (FHCL2). Also called: Familial hypercholesterolemia 2; Hyperlipoproteinemia Type IIb; Familial Hypercholesterolemia Type B; APOB-Related Familial Hypercholesterolemia, Autosomal Dominant; APOLIPOPROTEIN B-100, FAMILIAL DEFECTIVE; APOLIPOPROTEIN B-100, FAMILIAL LIGAND-DEFECTIVE. Identifiers: MedGen C1704417, MONDO:0007751, OMIM 144010.
Cardiovascular phenotype. Identifiers: MedGen CN230736.

Submissions (2):

Ambry Genetics
Classification: Uncertain significance for Cardiovascular phenotype. Last evaluated: 2026-07-11. Review status: criteria provided, single submitter. Criteria: Ambry Variant Classification Scheme 2023. Collection method: clinical testing. Allele origin: germline.
Comment: The p.S757G variant (also known as c.2269A>G), located in coding exon 16 of the APOB gene, results from an A to G substitution at nucleotide position 2269. The serine at codon 757 is replaced by glycine, an amino acid with similar properties. This amino acid position is conserved. In addition, this alteration is predicted to be tolerated by in silico analysis. Based on the available evidence, the clinical significance of this variant remains unclear.

Labcorp Genetics (formerly Invitae), Labcorp
Classification: Uncertain significance for Familial hypobetalipoproteinemia 1; Hypercholesterolemia, autosomal dominant, type B. Last evaluated: 2023-12-02. Review status: criteria provided, single submitter. Criteria: Invitae Variant Classification Sherloc (09022015). Collection method: clinical testing. Allele origin: germline.
Comment: This sequence change replaces serine, which is neutral and polar, with glycine, which is neutral and non-polar, at codon 757 of the APOB protein (p.Ser757Gly). This variant is not present in population databases (gnomAD no frequency). This variant has not been reported in the literature in individuals affected with APOB-related conditions. Advanced modeling of protein sequence and biophysical properties (such as structural, functional, and spatial information, amino acid conservation, physicochemical variation, residue mobility, and thermodynamic stability) performed at Invitae indicates that this missense variant is not expected to disrupt APOB protein function with a negative predictive value of 95%. In summary, the available evidence is currently insufficient to determine the role of this variant in disease. Therefore, it has been classified as a Variant of Uncertain Significance.

NM_000384.3(APOB):c.2269A>G (p.Ser757Gly)

Gene: APOB (apolipoprotein B; minus strand). Cytogenetic location: 2p24.1.
Variant type: single nucleotide variant.
Coding change: c.2269A>G on transcript NM_000384.3 (MANE Select); coding-DNA position 2269, A replaced by G.
Protein change: p.Ser757Gly; replaces serine 757 with glycine.
Molecular consequence: missense variant.
Genome position (GRCh38, 1-based): chr2:21,025,100, T>C on the plus strand (A>G on the coding strand, the complement: APOB is on the minus strand). VCF-style: chr2-21025100-T-C. GRCh37 (hg19) VCF-style: chr2-21247972-T-C.
Other names: c.2269A>G (NM_000384.2); short protein forms S757G.
Identifiers: ClinVar variation 2936677 (VCV002936677.4), dbSNP rs1663700393, ClinGen allele CA346012154.